The following is an entry in ClinVar:

ClinVar aggregate classification (germline): Uncertain significance (1 of 4 stars; one submission).

gnomAD v4.1: 1 of 1,613,914 alleles (0.000062%); highest among the groups gnomAD compares: Admixed American, 0.0017%; no homozygotes.

Submission:

Labcorp Genetics (formerly Invitae), Labcorp
Classification: Uncertain significance. Last evaluated: 2024-11-23. Review status: criteria provided, single submitter. Criteria: Invitae Variant Classification Sherloc (09022015). Collection method: clinical testing. Allele origin: germline.
Comment: This sequence change replaces glycine, which is neutral and non-polar, with aspartic acid, which is acidic and polar, at codon 502 of the KRT6B protein (p.Gly502Asp). This variant is present in population databases (no rsID available, gnomAD 0.003%). This variant has not been reported in the literature in individuals affected with KRT6B-related conditions. Invitae Evidence Modeling of protein sequence and biophysical properties (such as structural, functional, and spatial information, amino acid conservation, physicochemical variation, residue mobility, and thermodynamic stability) indicates that this missense variant is not expected to disrupt KRT6B protein function with a negative predictive value of 95%. In summary, the available evidence is currently insufficient to determine the role of this variant in disease. Therefore, it has been classified as a Variant of Uncertain Significance.

NM_005555.4(KRT6B):c.1505G>A (p.Gly502Asp)

Gene: KRT6B (keratin 6B; minus strand). Cytogenetic location: 12q13.13.
Variant type: single nucleotide variant.
Coding change: c.1505G>A on transcript NM_005555.4 (MANE Select); coding-DNA position 1505, G replaced by A.
Protein change: p.Gly502Asp; replaces glycine 502 with aspartic acid.
Molecular consequence: missense variant.
Genome position (GRCh38, 1-based): chr12:52,447,380, C>T on the plus strand (G>A on the coding strand, the complement: KRT6B is on the minus strand). VCF-style: chr12-52447380-C-T. GRCh37 (hg19) VCF-style: chr12-52841164-C-T.
Other names: short protein forms G502D.
Identifiers: ClinVar variation 3719550 (VCV003719550.2).